The following is an entry in ClinVar:

NM_000238.4(KCNH2):c.2771G>T (p.Gly924Val)

Gene: KCNH2 (potassium voltage-gated channel subfamily H member 2; minus strand). Cytogenetic location: 7q36.1.
Variant type: single nucleotide variant.
Coding change: c.2771G>T on transcript NM_000238.4 (MANE Select); coding-DNA position 2771, G replaced by T.
Protein change: p.Gly924Val; replaces glycine 924 with valine.
Molecular consequence: missense variant.
Genome position (GRCh38, 1-based): chr7:150,947,800, C>A on the plus strand (G>T on the coding strand, the complement: KCNH2 is on the minus strand). VCF-style: chr7-150947800-C-A. GRCh37 (hg19) VCF-style: chr7-150644888-C-A.
Other names: c.2483G>T, p.Gly828Val (NM_001406753.1); c.1751G>T, p.Gly584Val (NM_172057.3); short protein forms G828V, G924V, G584V.
Identifiers: ClinVar variation 2181844 (VCV002181844.5), dbSNP rs199473009, ClinGen allele CA369853431.

ClinVar aggregate classification (germline): Uncertain significance. Review status: criteria provided, multiple submitters, no conflicts (2 of 4 stars). 2 submissions from 2 submitters: Uncertain significance (2). Last evaluated 2024-05-30.

Conditions:
Long QT syndrome (LQTS). Identifiers: MedGen C0023976, MeSH D008133, MONDO:0002442. Disease mechanism: loss of function. Inheritance: Various modes of inheritance.

gnomAD v4.1: 3 of 1,530,568 alleles (0.0002%); highest among the groups gnomAD compares: Non-Finnish European, 0.00026%; no homozygotes.

Submissions (2):

All of Us Research Program, National Institutes of Health
Classification: Uncertain significance for Long QT syndrome. Last evaluated: 2024-05-30. Review status: criteria provided, single submitter. Criteria: ACMG Guidelines, 2015. Collection method: clinical testing. Allele origin: germline. Inheritance: Autosomal dominant inheritance. Observed: 1 variant allele, 1 heterozygote.
Comment: This missense variant replaces glycine with valine at codon 924 of the KCNH2 protein. Computational prediction is inconclusive regarding the impact of this variant on protein structure and function (internally defined REVEL score threshold 0.5 < inconclusive < 0.7, PMID: 27666373). To our knowledge, functional studies have not been reported for this variant. This variant has not been reported in individuals affected with KCNH2-related disorders in the literature. This variant has been identified in 1/127254 chromosomes in the general population by the Genome Aggregation Database (gnomAD). The available evidence is insufficient to determine the role of this variant in disease conclusively. Therefore, this variant is classified as a Variant of Uncertain Significance.

This study involves interpretation of variants in research participants for the purpose of population health screening. Participant phenotype was not available at the time of variant classification. Additional details can be found in publication PMID: 35346344, PMCID: PMC8962531

Labcorp Genetics (formerly Invitae), Labcorp
Classification: Uncertain significance for Long QT syndrome. Last evaluated: 2022-04-08. Review status: criteria provided, single submitter. Criteria: Invitae Variant Classification Sherloc (09022015). Collection method: clinical testing. Allele origin: germline.
Comment: In summary, the available evidence is currently insufficient to determine the role of this variant in disease. Therefore, it has been classified as a Variant of Uncertain Significance. Algorithms developed to predict the effect of missense changes on protein structure and function are either unavailable or do not agree on the potential impact of this missense change (SIFT: "Tolerated"; PolyPhen-2: "Possibly Damaging"; Align-GVGD: "Class C0"). This variant is also known as G584V (c.1751G>T). This missense change has been observed in individual(s) with KCNH2-related conditions (PMID: 18752142). The frequency data for this variant in the population databases is considered unreliable, as metrics indicate poor data quality at this position in the gnomAD database. This sequence change replaces glycine, which is neutral and non-polar, with valine, which is neutral and non-polar, at codon 924 of the KCNH2 protein (p.Gly924Val).

Literature cited by the submitters: PubMed 18752142 (cited by Labcorp Genetics (formerly Invitae), Labcorp).